The following is an entry in ClinVar:

ClinVar aggregate classification (germline): Uncertain significance. Review status: criteria provided, multiple submitters, no conflicts (2 of 4 stars). 2 submissions from 2 submitters: Uncertain significance (2). Last evaluated 2023-10-04.

Conditions:
Hereditary cancer-predisposing syndrome. Also called: Tumor predisposition; Neoplastic Syndromes, Hereditary; Hereditary Cancer Syndrome; Hereditary neoplastic syndrome. Identifiers: Orphanet 140162, MedGen C0027672, MeSH D009386, MONDO:0015356.
Bloom syndrome (BLM). Also called: Bloom-Torre-Machacek syndrome. Identifiers: Orphanet 125, MedGen C0005859, MONDO:0008876, OMIM 210900.

Submissions (2):

Labcorp Genetics (formerly Invitae), Labcorp
Classification: Uncertain significance for Bloom syndrome. Last evaluated: 2023-10-04. Review status: criteria provided, single submitter. Criteria: Invitae Variant Classification Sherloc (09022015). Collection method: clinical testing. Allele origin: germline.
Comment: This sequence change replaces methionine, which is neutral and non-polar, with isoleucine, which is neutral and non-polar, at codon 376 of the BLM protein (p.Met376Ile). RNA analysis indicates that this missense change induces altered splicing and may result in an absent or disrupted protein product. This variant is not present in population databases (gnomAD no frequency). This variant has not been reported in the literature in individuals affected with BLM-related conditions. ClinVar contains an entry for this variant (Variation ID: 1727466). Advanced modeling of protein sequence and biophysical properties (such as structural, functional, and spatial information, amino acid conservation, physicochemical variation, residue mobility, and thermodynamic stability) has been performed at Invitae for this missense variant, however the output from this modeling did not meet the statistical confidence thresholds required to predict the impact of this variant on BLM protein function. Studies have shown that this missense change results in skipping of exon 6 and introduces a premature termination codon (Invitae). The resulting mRNA is expected to undergo nonsense-mediated decay. In summary, the available evidence is currently insufficient to determine the role of this variant in disease. Therefore, it has been classified as a Variant of Uncertain Significance.

Ambry Genetics
Classification: Uncertain significance for Hereditary cancer-predisposing syndrome. Last evaluated: 2017-11-21. Review status: criteria provided, single submitter. Criteria: Ambry Variant Classification Scheme 2023. Collection method: clinical testing. Allele origin: germline.
Comment: The p.M376I variant (also known as c.1128G>A), located in coding exon 5 of the BLM gene, results from a G to A substitution at nucleotide position 1128. The methionine at codon 376 is replaced by isoleucine, an amino acid with highly similar properties. This amino acid position is highly conserved in available vertebrate species. In addition, the in silico prediction for this alteration is inconclusive. Since supporting evidence is limited at this time, the clinical significance of this alteration remains unclear.

NM_000057.4(BLM):c.1128G>A (p.Met376Ile)

Gene: BLM (BLM RecQ like helicase; plus strand). Cytogenetic location: 15q26.1.
Variant type: single nucleotide variant.
Coding change: c.1128G>A on transcript NM_000057.4 (MANE Select); coding-DNA position 1128, G replaced by A.
Protein change: p.Met376Ile; replaces methionine 376 with isoleucine.
Molecular consequence: missense variant. On other transcripts: initiator codon variant (1).
Genome position (GRCh38, 1-based): chr15:90,760,187, G>A. VCF-style: chr15-90760187-G-A. GRCh37 (hg19) VCF-style: chr15-91303417-G-A.
Other names: c.1128G>A, p.Met376Ile (NM_001287246.2, NM_001287247.2); c.3G>A, p.Met1Ile (NM_001287248.2); short protein forms M376I, M1I.
Identifiers: ClinVar variation 1727466 (VCV001727466.8), dbSNP rs2151157277, ClinGen allele CA393842368.